The following is an entry in ClinVar:

ClinVar aggregate classification (germline): Uncertain significance (1 of 4 stars; one submission).

Submission:

GeneDx
Classification: Uncertain significance. Last evaluated: 2024-03-20. Review status: criteria provided, single submitter. Criteria: GeneDx Variant Classification Process June 2021. Collection method: clinical testing. Allele origin: germline. Affected: yes.
Comment: Not observed at significant frequency in large population cohorts (gnomAD); Has not been previously published as pathogenic or benign to our knowledge; Variants in candidate genes are classified as variants of uncertain significance in accordance with ACMG guidelines (PMID: 25741868); Frameshift variant predicted to result in protein truncation or nonsense mediated decay in a gene for which loss-of-function is not an established mechanism of disease

NM_003458.4(BSN):c.11213del (p.Lys3738fs)

Gene: BSN (bassoon presynaptic cytomatrix protein; plus strand). Cytogenetic location: 3p21.31.
Variant type: Deletion.
Coding change: c.11213del on transcript NM_003458.4 (MANE Select); coding-DNA position 11213, one base deleted (A; older notation c.11213delA).
Protein change: p.Lys3738fs; shifts the reading frame from lysine 3738.
Molecular consequence: frameshift variant.
Genome position (GRCh38, 1-based): chr3:49,663,371, A deleted; the last of 3 consecutive A bases (chr3:49,663,369-49,663,371); deleting any one gives the same sequence. VCF-style (leftmost placement, unchanged base first): chr3-49663368-CA-C. GRCh37 (hg19) VCF-style: chr3-49700801-CA-C.
Other names: short protein forms K3738fs.
Identifiers: ClinVar variation 3900325 (VCV003900325.1).